The following is an entry in ClinVar:

NM_001267550.2(TTN):c.68271C>T (p.His22757=)

Genes: TTN (titin; minus strand), TTN-AS1 (TTN antisense RNA 1; plus strand), LOC126806423 (CDK7 strongly-dependent group 2 enhancer GRCh37_chr2:179443309-179444508; plus strand). Cytogenetic location: 2q31.2.
Variant type: single nucleotide variant.
Coding change: c.68271C>T on transcript NM_001267550.2 (MANE Select); coding-DNA position 68271, C replaced by T.
Protein change: p.His22757=; no amino-acid change (histidine 22757 retained).
Molecular consequence: synonymous variant.
Genome position (GRCh38, 1-based): chr2:178,578,669, G>A on the plus strand (C>T on the coding strand, the complement: TTN is on the minus strand). VCF-style: chr2-178578669-G-A. GRCh37 (hg19) VCF-style: chr2-179443396-G-A.
Other names: c.63348C>T, p.His21116= (NM_001256850.1); c.41076C>T, p.His13692= (NM_003319.4); c.60567C>T, p.His20189= (NM_133378.4); c.41451C>T, p.His13817= (NM_133432.3); c.41652C>T, p.His13884= (NM_133437.4).
Identifiers: ClinVar variation 413095 (VCV000413095.20), dbSNP rs750271244, ClinGen allele CA1991147.

ClinVar aggregate classification (germline): Likely benign. Review status: criteria provided, multiple submitters, no conflicts (2 of 4 stars). 4 submissions from 4 submitters: Likely benign (4). Last evaluated 2025-06-29.

Conditions:
Cardiovascular phenotype. Identifiers: MedGen CN230736.
Autosomal recessive limb-girdle muscular dystrophy type 2J (LGMDR10). Also called: Limb-girdle muscular dystrophy, type 2J; MUSCULAR DYSTROPHY, LIMB-GIRDLE, AUTOSOMAL RECESSIVE 10. Identifiers: Orphanet 140922, MedGen C1837342, MONDO:0012127, OMIM 608807.
Dilated cardiomyopathy 1G (CMD1G). Identifiers: Orphanet 154, MedGen C1858763, MONDO:0011400, OMIM 604145.
Cardiomyopathy (CMYO). Also called: Cardiomyopathies. Identifiers: Orphanet 167848, MedGen C0878544, MONDO:0004994, HP:0001638. Inheritance: Various modes of inheritance.

Allele frequency attached by ClinVar (database versions not stated): ExAC below 0.00001; gnomAD exomes 0.00001; TOPMed 0.00001.
gnomAD v4.1: 9 of 1,611,920 alleles (0.00056%); highest among the groups gnomAD compares: African/African-American, 0.0013%; no homozygotes.

Submissions (4):

Labcorp Genetics (formerly Invitae), Labcorp
Classification: Likely benign for Dilated cardiomyopathy 1G; Autosomal recessive limb-girdle muscular dystrophy type 2J. Last evaluated: 2025-06-29. Review status: criteria provided, single submitter. Criteria: Invitae Variant Classification Sherloc (09022015). Collection method: clinical testing. Allele origin: germline.

CHEO Genetics Diagnostic Laboratory, Children's Hospital of Eastern Ontario
Classification: Likely benign for Cardiomyopathy. Last evaluated: 2022-03-31. Review status: criteria provided, single submitter. Criteria: ACMG Guidelines, 2015. Collection method: clinical testing. Allele origin: germline.

Ambry Genetics
Classification: Likely benign for Cardiovascular phenotype. Last evaluated: 2020-01-26. Review status: criteria provided, single submitter. Criteria: Ambry Variant Classification Scheme 2023. Collection method: clinical testing. Allele origin: germline.

GeneDx
Classification: Likely benign. Last evaluated: 2017-09-20. Review status: criteria provided, single submitter. Criteria: GeneDx Variant Classification (06012015). Collection method: clinical testing. Allele origin: germline. Affected: yes.
Comment: This variant is considered likely benign or benign based on one or more of the following criteria: it is a conservative change, it occurs at a poorly conserved position in the protein, it is predicted to be benign by multiple in silico algorithms, and/or has population frequency not consistent with disease.